The following is an entry in ClinVar:

ClinVar aggregate classification (germline): Pathogenic (1 of 4 stars; one submission).

Conditions:
Metachromatic leukodystrophy (MLD). Also called: ARSA DEFICIENCY; Cerebral sclerosis diffuse metachromatic form; Arylsulfatase A Deficiency; SULFATIDE LIPIDOSIS; CEREBROSIDE SULFATASE DEFICIENCY; METACHROMATIC LEUKOENCEPHALOPATHY. Identifiers: Orphanet 512, MedGen C0023522, MONDO:0018868, OMIM 250100.

Submission:

Foundation for Research in Genetics and Endocrinology, FRIGE's Institute of Human Genetics
Classification: Pathogenic for Metachromatic leukodystrophy. Review status: criteria provided, single submitter. Criteria: ACMG Guidelines, 2015. Collection method: clinical testing. Allele origin: germline. Inheritance: Autosomal recessive inheritance. Affected: yes. Observed: 1 homozygote.
Comment: A homozygous single base pair deletion in exon 6 of the ARSA gene that results in a frameshift and premature truncation of the protein 79 amino acids downstream to codon 344 was detected. This variant has not been reported in the 1000 genomes and gnomAD databases. The in silico prediction of the variant is damaging MutationTaster2. In summary, the variant meets our criteria to be classified as pathogenic.

NM_000487.6(ARSA):c.1030del (p.Ala344fs)

Gene: ARSA (arylsulfatase A; minus strand). Cytogenetic location: 22q13.33.
Variant type: Deletion.
Coding change: c.1030del on transcript NM_000487.6 (MANE Select); coding-DNA position 1030, one base deleted (G; older notation c.1030delG).
Protein change: p.Ala344fs; shifts the reading frame from alanine 344.
Molecular consequence: frameshift variant.
Genome position (GRCh38, 1-based): chr22:50,626,013, C deleted on the plus strand (G on the coding strand, the reverse complement: ARSA is on the minus strand). VCF-style (leftmost placement, unchanged base first): chr22-50626012-GC-G. GRCh37 (hg19) VCF-style: chr22-51064440-GC-G.
Other names: p.Ala344ProfsTer79; c.1030del, p.Ala344fs (NM_001085425.3, NM_001085426.3, NM_001085427.3); c.772del, p.Ala258fs (NM_001085428.3, NM_001362782.2); short protein forms A258fs, A344fs.
Identifiers: ClinVar variation 1707612 (VCV001707612.3), dbSNP rs2518326035, ClinGen allele CA2580100077.